The following is an entry in ClinVar:

ClinVar aggregate classification (germline): Uncertain significance (1 of 4 stars; one submission).

Conditions:
Saldino-Mainzer syndrome (SRTD9). Also called: CONORENAL SYNDROME; Renal dysplasia, retinal pigmentary dystrophy, cerebellar ataxia and skeletal dysplasia; SHORT-RIB THORACIC DYSPLASIA 9 WITHOUT POLYDACTYLY; short-rib thoracic dysplasia 9 with or without polydactyly. Identifiers: Orphanet 140969, MedGen C1849437, MONDO:0009964, OMIM 266920.

Submission:

Labcorp Genetics (formerly Invitae), Labcorp
Classification: Uncertain significance for Saldino-Mainzer syndrome. Last evaluated: 2022-09-13. Review status: criteria provided, single submitter. Criteria: Invitae Variant Classification Sherloc (09022015). Collection method: clinical testing. Allele origin: germline.
Comment: This sequence change creates a premature translational stop signal (p.Glu1384*) in the IFT140 gene. While this is not anticipated to result in nonsense mediated decay, it is expected to disrupt the last 79 amino acid(s) of the IFT140 protein. This variant is not present in population databases (gnomAD no frequency). This variant has not been reported in the literature in individuals affected with IFT140-related conditions. This variant disrupts a region of the IFT140 protein in which other variant(s) (p.Leu1399Pro) have been observed in individuals with IFT140-related conditions (PMID: 26216056). This suggests that this is a clinically significant region of the protein, and that variants that disrupt it are likely to be disease-causing. In summary, the available evidence is currently insufficient to determine the role of this variant in disease. Therefore, it has been classified as a Variant of Uncertain Significance.

Literature cited by the submitters: PubMed 26216056.

NM_014714.4(IFT140):c.4150G>T (p.Glu1384Ter)

Gene: IFT140 (intraflagellar transport 140; minus strand). Cytogenetic location: 16p13.3.
Variant type: single nucleotide variant.
Coding change: c.4150G>T on transcript NM_014714.4 (MANE Select); coding-DNA position 4150, G replaced by T.
Protein change: p.Glu1384Ter; replaces glutamic acid 1384 with a stop codon.
Molecular consequence: nonsense.
Genome position (GRCh38, 1-based): chr16:1,518,248, C>A on the plus strand (G>T on the coding strand, the complement: IFT140 is on the minus strand). VCF-style: chr16-1518248-C-A. GRCh37 (hg19) VCF-style: chr16-1568249-C-A.
Other names: short protein forms E1384*.
Identifiers: ClinVar variation 2060631 (VCV002060631.1), dbSNP rs2506063495, ClinGen allele CA394223614.